The following is an entry in ClinVar:

NM_000181.4(GUSB):c.1412A>C (p.Lys471Thr)

Gene: GUSB (glucuronidase beta; minus strand). Cytogenetic location: 7q11.21.
Variant type: single nucleotide variant.
Coding change: c.1412A>C on transcript NM_000181.4 (MANE Select); coding-DNA position 1412, A replaced by C.
Protein change: p.Lys471Thr; replaces lysine 471 with threonine.
Molecular consequence: missense variant.
Genome position (GRCh38, 1-based): chr7:65,970,346, T>G on the plus strand (A>C on the coding strand, the complement: GUSB is on the minus strand). VCF-style: chr7-65970346-T-G. GRCh37 (hg19) VCF-style: chr7-65435333-T-G.
Other names: c.974A>C, p.Lys325Thr (NM_001284290.2); c.842A>C, p.Lys281Thr (NM_001293104.2); c.755A>C, p.Lys252Thr (NM_001293105.2); short protein forms K471T, K252T, K325T, K281T.
Identifiers: ClinVar variation 568226 (VCV000568226.14), dbSNP rs1302470051, ClinGen allele CA367641771.
Genomic context (GRCh38, chr7:65,970,346, plus strand): 5'-TTGTCTGCTGCATAGTTAGAGTTGCTCACAAAGGTCACAGGCCGGGAGGGGTCCAAGGAT[T>G]TGGTGTGAGCGATCACCATCCTGTCCACAAAAGGCAGAAGAAACAGGTTCCATCAGTCCA-3'
Protein context (NP_000172.2, residues 461-481): YYLKMVIAHT[Lys471Thr]SLDPSRPVTF

ClinVar aggregate classification (germline): Conflicting classifications of pathogenicity. Review status: criteria provided, conflicting classifications (1 of 4 stars). 3 submissions from 3 submitters: Likely pathogenic (1); Uncertain significance (2). Last evaluated 2025-01-28.

Conditions:
Mucopolysaccharidosis type 7 (MPS7). Also called: MPS VII; BETA-GLUCURONIDASE DEFICIENCY; GUSB DEFICIENCY; SLY SYNDROME. Identifiers: Orphanet 584, MedGen C0085132, MONDO:0009662, OMIM 253220.
GUSB-related disorder. Also called: GUSB-related condition.

Allele frequency attached by ClinVar (database versions not stated): gnomAD exomes below 0.00001; TOPMed 0.00001.
gnomAD v4.1: 1 of 1,612,590 alleles (0.000062%); highest among the groups gnomAD compares: Admixed American, 0.0017%; no homozygotes.

Submissions (3):

PreventionGenetics, part of Exact Sciences
Classification: Uncertain significance for GUSB-related condition. Last evaluated: 2025-01-28. Review status: criteria provided, single submitter. Criteria: ACMG Guidelines, 2015. Collection method: clinical testing. Allele origin: germline.
Comment: The GUSB c.1412A>C variant is predicted to result in the amino acid substitution p.Lys471Thr. To our knowledge, this variant has not been reported in the literature. This variant is reported in 0.0029% of alleles in individuals of Latino descent in gnomAD. This variant was observed in the compound heterozygous state in two sibling fetuses with mucopolysaccharidosis VII (PreventionGenetics Internal Data). Although we suspect that this variant is pathogenic, at this time, the clinical significance of this variant is uncertain due to the absence of conclusive functional and genetic evidence.

Labcorp Genetics (formerly Invitae), Labcorp
Classification: Likely pathogenic for Mucopolysaccharidosis type 7. Last evaluated: 2023-07-11. Review status: criteria provided, single submitter. Criteria: Invitae Variant Classification Sherloc (09022015). Collection method: clinical testing. Allele origin: germline.
Comment: In summary, the currently available evidence indicates that the variant is pathogenic, but additional data are needed to prove that conclusively. Therefore, this variant has been classified as Likely Pathogenic. This sequence change replaces lysine, which is basic and polar, with threonine, which is neutral and polar, at codon 471 of the GUSB protein (p.Lys471Thr). Advanced modeling of protein sequence and biophysical properties (such as structural, functional, and spatial information, amino acid conservation, physicochemical variation, residue mobility, and thermodynamic stability) performed at Invitae indicates that this missense variant is expected to disrupt GUSB protein function. ClinVar contains an entry for this variant (Variation ID: 568226). This missense change has been observed in individual(s) with clinical features of GUSB-related conditions (Invitae). This variant is present in population databases (no rsID available, gnomAD 0.003%).

Illumina Laboratory Services, Illumina
Classification: Uncertain significance for Mucopolysaccharidosis type 7. Last evaluated: 2018-01-12. Review status: criteria provided, single submitter. Criteria: ICSL Variant Classification Criteria 13 December 2019. Collection method: clinical testing. Allele origin: germline.